The following is an entry in ClinVar:

NM_000277.3(PAH):c.152T>C (p.Val51Ala)

Gene: PAH (phenylalanine hydroxylase; minus strand). Cytogenetic location: 12q23.2.
Variant type: single nucleotide variant.
Coding change: c.152T>C on transcript NM_000277.3 (MANE Select); coding-DNA position 152, T replaced by C.
Protein change: p.Val51Ala; replaces valine 51 with alanine.
Molecular consequence: missense variant.
Genome position (GRCh38, 1-based): chr12:102,912,807, A>G on the plus strand (T>C on the coding strand, the complement: PAH is on the minus strand). VCF-style: chr12-102912807-A-G. GRCh37 (hg19) VCF-style: chr12-103306585-A-G.
Other names: c.152T>C, p.Val51Ala (NM_001354304.2); short protein forms V51A.
Identifiers: ClinVar variation 3706389 (VCV003706389.2).

ClinVar aggregate classification (germline): Uncertain significance (1 of 4 stars; one submission).

Conditions:
Phenylketonuria (PKU). Also called: FOLLING DISEASE; OLIGOPHRENIA PHENYLPYRUVICA; Phenylketonurias; Phenylketonuria (PKU). Identifiers: Orphanet 716, MedGen C0031485, MONDO:0009861, OMIM 261600. Disease mechanism: loss of function.

Submission:

Labcorp Genetics (formerly Invitae), Labcorp
Classification: Uncertain significance for Phenylketonuria. Last evaluated: 2024-10-17. Review status: criteria provided, single submitter. Criteria: Invitae Variant Classification Sherloc (09022015). Collection method: clinical testing. Allele origin: germline.
Comment: This sequence change replaces valine, which is neutral and non-polar, with alanine, which is neutral and non-polar, at codon 51 of the PAH protein (p.Val51Ala). This variant is not present in population databases (gnomAD no frequency). This variant has not been reported in the literature in individuals affected with PAH-related conditions. Invitae Evidence Modeling of protein sequence and biophysical properties (such as structural, functional, and spatial information, amino acid conservation, physicochemical variation, residue mobility, and thermodynamic stability) indicates that this missense variant is not expected to disrupt PAH protein function with a negative predictive value of 80%. In summary, the available evidence is currently insufficient to determine the role of this variant in disease. Therefore, it has been classified as a Variant of Uncertain Significance.